The following is an entry in ClinVar:

ClinVar aggregate classification (germline): Uncertain significance (1 of 4 stars; one submission).

Allele frequency attached by ClinVar (database versions not stated): gnomAD exomes 0.00001 and 0.00003; TOPMed 0.00001.
gnomAD v4.1: 41 of 1,614,036 alleles (0.0025%); highest among the groups gnomAD compares: Non-Finnish European, 0.0034%; no homozygotes.

Submission:

Labcorp Genetics (formerly Invitae), Labcorp
Classification: Uncertain significance. Last evaluated: 2025-11-15. Review status: criteria provided, single submitter. Criteria: Invitae Variant Classification Sherloc (09022015). Collection method: clinical testing. Allele origin: germline.
Comment: This sequence change replaces tyrosine, which is neutral and polar, with cysteine, which is neutral and slightly polar, at codon 672 of the EMC1 protein (p.Tyr672Cys). This variant is present in population databases (rs776183467, gnomAD 0.003%). This variant has not been reported in the literature in individuals affected with EMC1-related conditions. ClinVar contains an entry for this variant (Variation ID: 1390240). Invitae Evidence Modeling of protein sequence and biophysical properties (such as structural, functional, and spatial information, amino acid conservation, physicochemical variation, residue mobility, and thermodynamic stability) indicates that this missense variant is expected to disrupt EMC1 protein function with a positive predictive value of 80%. In summary, the available evidence is currently insufficient to determine the role of this variant in disease. Therefore, it has been classified as a Variant of Uncertain Significance.

NM_015047.3(EMC1):c.2015A>G (p.Tyr672Cys)

Genes: EMC1 (ER membrane protein complex subunit 1; minus strand), EMC1-AS1 (EMC1 antisense RNA 1; plus strand). Cytogenetic location: 1p36.13.
Variant type: single nucleotide variant.
Coding change: c.2015A>G on transcript NM_015047.3 (MANE Select); coding-DNA position 2015, A replaced by G.
Protein change: p.Tyr672Cys; replaces tyrosine 672 with cysteine.
Molecular consequence: missense variant.
Genome position (GRCh38, 1-based): chr1:19,230,893, T>C on the plus strand (A>G on the coding strand, the complement: EMC1 is on the minus strand). VCF-style: chr1-19230893-T-C. GRCh37 (hg19) VCF-style: chr1-19557387-T-C.
Other names: c.2012A>G, p.Tyr671Cys (NM_001271427.2, NM_001271428.2); c.1949A>G, p.Tyr650Cys (NM_001271429.2); c.2024A>G, p.Tyr675Cys (NM_001375820.1); c.2021A>G, p.Tyr674Cys (NM_001375821.1); short protein forms Y650C, Y672C, Y674C, Y675C, Y671C.
Identifiers: ClinVar variation 1390240 (VCV001390240.6), dbSNP rs776183467, ClinGen allele CA18814804.